The following is an entry in ClinVar:

NC_000023.10:g.(?_76888675)_(77264780_?)dup

Genes: ATP7A (ATPase copper transporting alpha; plus strand), ATRX (ATRX chromatin remodeler; minus strand), COX7B (cytochrome c oxidase subunit 7B; plus strand), MAGT1 (magnesium transporter 1; minus strand), PGAM4 (phosphoglycerate mutase family member 4; minus strand). Cytogenetic location: Xq21.1.
Variant type: Duplication.
Identifiers: ClinVar variation 2422244 (VCV002422244.7).

ClinVar aggregate classification (germline): Uncertain significance. Review status: criteria provided, single submitter (1 of 4 stars). 2 submissions from 1 submitter: Uncertain significance (2). Last evaluated 2022-05-25.

Conditions:
Alpha thalassemia-X-linked intellectual disability syndrome (ATRX). Also called: ALPHA-THALASSEMIA/MENTAL RETARDATION SYNDROME, X-LINKED; ATR, NONDELETION TYPE; ATR-X syndrome; Alpha thalassemia mental retardation syndrome, nondeletion type, X-linked; XLMR hypotonic face syndrome; X-linked alpha-thalassemia-mental retardation syndrome. Identifiers: Orphanet 847, MedGen C1845055, MONDO:0010519, OMIM 301040.
Menkes kinky-hair syndrome (MNK). Also called: Copper transport disease; Menkes Disease; Classic Menkes Disease. Identifiers: Orphanet 565, MedGen C0022716, MONDO:0010651, OMIM 309400.
Cutis laxa, X-linked (OHS). Also called: EDS IX; Occipital horn syndrome. Identifiers: Orphanet 198, MedGen C0268353, MONDO:0010572, OMIM 304150.
X-linked distal spinal muscular atrophy type 3. Also called: ATP7A-Related Distal Motor Neuropathy; SPINAL MUSCULAR ATROPHY, DISTAL, X-LINKED RECESSIVE; NEURONOPATHY, DISTAL HEREDITARY MOTOR, X-LINKED; NEUROPATHY, DISTAL HEREDITARY MOTOR, X-LINKED. Identifiers: Orphanet 139557, MedGen C1845359, MONDO:0010338, OMIM 300489.

Submissions (2):

Labcorp Genetics (formerly Invitae), Labcorp
Classification: Uncertain significance for X-linked distal spinal muscular atrophy type 3; Cutis laxa, X-linked; Menkes kinky-hair syndrome. Last evaluated: 2022-05-25. Review status: criteria provided, single submitter. Criteria: Invitae Variant Classification Sherloc (09022015). Collection method: clinical testing. Allele origin: germline.
Comment: This variant results in a copy number gain of the genomic region encompassing exon(s) 1-7 of the ATP7A gene. This region includes the initiator codon of the gene. This copy number gain extends beyond the assayed region for this gene and therefore may encompass additional genes. As the precise location of this event is unknown, it may be in tandem or it may be located elsewhere in the genome. This variant has not been reported in the literature in individuals affected with ATP7A-related conditions. In summary, the available evidence is currently insufficient to determine the role of this variant in disease. Therefore, it has been classified as a Variant of Uncertain Significance.

Labcorp Genetics (formerly Invitae), Labcorp
Classification: Uncertain significance for Alpha thalassemia-X-linked intellectual disability syndrome. Last evaluated: 2022-05-25. Review status: criteria provided, single submitter. Criteria: Invitae Variant Classification Sherloc (09022015). Collection method: clinical testing. Allele origin: germline.
Comment: This variant results in a copy number gain of the genomic region encompassing exon(s) 1-19 of the ATRX gene. This region includes the initiator codon of the gene. This copy number gain extends beyond the assayed region for this gene and therefore may encompass additional genes. As the precise location of this event is unknown, it may be in tandem or it may be located elsewhere in the genome. This variant has not been reported in the literature in individuals affected with ATRX-related conditions. In summary, the available evidence is currently insufficient to determine the role of this variant in disease. Therefore, it has been classified as a Variant of Uncertain Significance.